The following is an entry in ClinVar:

NM_006949.4(STXBP2):c.635T>C (p.Phe212Ser)

Gene: STXBP2 (syntaxin binding protein 2; plus strand). Cytogenetic location: 19p13.2.
Variant type: single nucleotide variant.
Coding change: c.635T>C on transcript NM_006949.4 (MANE Select); coding-DNA position 635, T replaced by C.
Protein change: p.Phe212Ser; replaces phenylalanine 212 with serine.
Molecular consequence: missense variant. On other transcripts: non-coding transcript variant (1).
Genome position (GRCh38, 1-based): chr19:7,642,090, T>C. VCF-style: chr19-7642090-T-C. GRCh37 (hg19) VCF-style: chr19-7706976-T-C.
Other names: c.626T>C, p.Phe209Ser (NM_001127396.3); c.668T>C, p.Phe223Ser (NM_001272034.2); short protein forms F212S, F209S, F223S.
Identifiers: ClinVar variation 1038807 (VCV001038807.9), dbSNP rs2031909131, ClinGen allele CA403158632.

ClinVar aggregate classification (germline): Uncertain significance (1 of 4 stars; one submission).

Conditions:
Familial hemophagocytic lymphohistiocytosis 5. Also called: STXBP2-Related Familial Hemophagocytic Lymphohistiocytosis (STXBP2-fHLH). Identifiers: Orphanet 540, MedGen C2751293, MONDO:0013135, OMIM 613101.

Submission:

Labcorp Genetics (formerly Invitae), Labcorp
Classification: Uncertain significance for Familial hemophagocytic lymphohistiocytosis 5. Last evaluated: 2020-10-20. Review status: criteria provided, single submitter. Criteria: Invitae Variant Classification Sherloc (09022015). Collection method: clinical testing. Allele origin: germline.
Comment: In summary, the available evidence is currently insufficient to determine the role of this variant in disease. Therefore, it has been classified as a Variant of Uncertain Significance. Algorithms developed to predict the effect of missense changes on protein structure and function are either unavailable or do not agree on the potential impact of this missense change (SIFT: "Deleterious"; PolyPhen-2: "Probably Damaging"; Align-GVGD: "Class C0"). This variant has not been reported in the literature in individuals with STXBP2-related conditions. This variant is not present in population databases (ExAC no frequency). This sequence change replaces phenylalanine with serine at codon 212 of the STXBP2 protein (p.Phe212Ser). The phenylalanine residue is moderately conserved and there is a large physicochemical difference between phenylalanine and serine.